The following is an entry in ClinVar:

ClinVar aggregate classification (germline): Uncertain significance (1 of 4 stars; one submission).

Conditions:
Duchenne muscular dystrophy (DMD). Also called: Duchenne Muscular Dystrophy (DMD); MUSCULAR DYSTROPHY, PSEUDOHYPERTROPHIC PROGRESSIVE, DUCHENNE TYPE. Identifiers: Orphanet 98896, MedGen C0013264, MONDO:0010679, OMIM 310200.

Submission:

Labcorp Genetics (formerly Invitae), Labcorp
Classification: Uncertain significance for Duchenne muscular dystrophy. Last evaluated: 2025-12-14. Review status: criteria provided, single submitter. Criteria: Invitae Variant Classification Sherloc (09022015). Collection method: clinical testing. Allele origin: germline.
Comment: This sequence change replaces valine, which is neutral and non-polar, with methionine, which is neutral and non-polar, at codon 3293 of the DMD protein (p.Val3293Met). This variant is not present in population databases (gnomAD no frequency). This variant has not been reported in the literature in individuals affected with DMD-related conditions. Invitae Evidence Modeling of protein sequence and biophysical properties (such as structural, functional, and spatial information, amino acid conservation, physicochemical variation, residue mobility, and thermodynamic stability) indicates that this missense variant is not expected to disrupt DMD protein function with a negative predictive value of 95%. In summary, the available evidence is currently insufficient to determine the role of this variant in disease. Therefore, it has been classified as a Variant of Uncertain Significance.

NM_004006.3(DMD):c.9877G>A (p.Val3293Met)

Gene: DMD (dystrophin; minus strand). Cytogenetic location: Xp21.2.
Variant type: single nucleotide variant.
Coding change: c.9877G>A on transcript NM_004006.3 (MANE Select); coding-DNA position 9877, G replaced by A.
Protein change: p.Val3293Met; replaces valine 3293 with methionine.
Molecular consequence: missense variant.
Genome position (GRCh38, 1-based): chrX:31,182,835, C>T on the plus strand (G>A on the coding strand, the complement: DMD is on the minus strand). VCF-style: chrX-31182835-C-T. GRCh37 (hg19) VCF-style: chrX-31200952-C-T.
Other names: c.9853G>A, p.Val3285Met (NM_000109.4); c.9865G>A, p.Val3289Met (NM_004009.3); c.9508G>A, p.Val3170Met (NM_004010.3); c.5854G>A, p.Val1952Met (NM_004011.4); c.5845G>A, p.Val1949Met (NM_004012.4); c.2497G>A, p.Val833Met (NM_004013.3, NM_004020.4, NM_004021.3 and 2 more transcripts); c.1690G>A, p.Val564Met (NM_004014.3); c.673G>A, p.Val225Met (NM_004015.3, NM_004016.3, NM_004017.3 and 2 more transcripts); short protein forms V1949M, V1952M, V225M, V3170M, V3285M, V3289M, V3293M, V564M.
Identifiers: ClinVar variation 4800939 (VCV004800939.1).